The following is an entry in ClinVar:

ClinVar aggregate classification (germline): Uncertain significance (1 of 4 stars; one submission).

Conditions:
NR0B2-related disorder. Also called: NR0B2-related condition.

gnomAD v4.1: 29 of 1,558,000 alleles (0.0019%); highest among the groups gnomAD compares: South Asian, 0.0049%; no homozygotes.

Submission:

PreventionGenetics, part of Exact Sciences
Classification: Uncertain significance for NR0B2-related condition. Last evaluated: 2025-03-14. Review status: criteria provided, single submitter. Criteria: ACMG Guidelines, 2015. Collection method: clinical testing. Allele origin: germline.
Comment: The NR0B2 c.161G>A variant is predicted to result in the amino acid substitution p.Arg54His. To our knowledge, this variant has not been reported in the literature. An alternate amino acid change at this position (p.Arg54Cys) has been reported in individuals with adult-onset type 2 diabetes or low levels of HDL-C (Enya et al. 2008. PubMed ID: 18781616; Supplemental table S3, Dong et al. 2022. PubMed ID: 35460704). The p.Arg54His variant is reported in 0.0052% of alleles in individuals of European (Non-Finnish) descent in gnomAD. At this time, the clinical significance of this variant is uncertain due to the absence of conclusive functional and genetic evidence.

NM_021969.3(NR0B2):c.161G>A (p.Arg54His)

Genes: NR0B2 (nuclear receptor subfamily 0 group B member 2; minus strand), NUDC (nuclear distribution C, dynein complex regulator; plus strand). Cytogenetic location: 1p36.11.
Variant type: single nucleotide variant.
Coding change: c.161G>A on transcript NM_021969.3 (MANE Select); coding-DNA position 161, G replaced by A.
Protein change: p.Arg54His; replaces arginine 54 with histidine.
Molecular consequence: missense variant.
Genome position (GRCh38, 1-based): chr1:26,913,780, C>T on the plus strand (G>A on the coding strand, the complement: NR0B2 is on the minus strand). VCF-style: chr1-26913780-C-T. GRCh37 (hg19) VCF-style: chr1-27240271-C-T.
Other names: short protein forms R54H.
Identifiers: ClinVar variation 4981367 (VCV004981367.1).